The following is an entry in ClinVar:

NM_001127222.2(CACNA1A):c.5953C>G (p.Leu1985Val)

Gene: CACNA1A (calcium voltage-gated channel subunit alpha1 A; minus strand). Cytogenetic location: 19p13.13.
Variant type: single nucleotide variant.
Coding change: c.5953C>G on transcript NM_001127222.2 (MANE Select); coding-DNA position 5953, C replaced by G.
Protein change: p.Leu1985Val; replaces leucine 1985 with valine.
Molecular consequence: missense variant.
Genome position (GRCh38, 1-based): chr19:13,212,728, G>C on the plus strand (C>G on the coding strand, the complement: CACNA1A is on the minus strand). VCF-style: chr19-13212728-G-C. GRCh37 (hg19) VCF-style: chr19-13323542-G-C.
Other names: c.5971C>G, p.Leu1991Val (NM_000068.4, NM_023035.3); c.5956C>G, p.Leu1986Val (NM_001127221.2); c.5962C>G, p.Leu1988Val (NM_001174080.2); short protein forms L1986V, L1988V, L1991V, L1985V.
Identifiers: ClinVar variation 2335100 (VCV002335100.5), dbSNP rs2054861568, ClinGen allele CA404333656.

ClinVar aggregate classification (germline): Uncertain significance. Review status: criteria provided, multiple submitters, no conflicts (2 of 4 stars). 2 submissions from 2 submitters: Uncertain significance (2). Last evaluated 2023-12-13.

Conditions:
Inborn genetic diseases. Identifiers: MedGen C0950123, MeSH D030342.
Developmental and epileptic encephalopathy, 42 (DEE42A). Also called: Epileptic encephalopathy, early infantile, 42; DEVELOPMENTAL AND EPILEPTIC ENCEPHALOPATHY 42A; EPILEPTIC ENCEPHALOPATHY, EARLY INFANTILE, 42A. Identifiers: MedGen C4310716, MONDO:0014917, OMIM 617106.
Episodic ataxia type 2 (EA2). Also called: ATAXIA, EPISODIC, WITH NYSTAGMUS; ATAXIA, FAMILIAL PAROXYSMAL; CEREBELLAR ATAXIA, PAROXYSMAL, ACETAZOLAMIDE-RESPONSIVE; CEREBELLOPATHY, HEREDITARY PAROXYSMAL; EPISODIC ATAXIA, NYSTAGMUS-ASSOCIATED; ACETAZOLAMIDE-RESPONSIVE HEREDITARY PAROXYSMAL CEREBELLAR ATAXIA. Identifiers: Orphanet 97, MedGen C1720416, MONDO:0007163, OMIM 108500.

Allele frequency attached by ClinVar (database versions not stated): TOPMed below 0.00001; gnomAD exomes 0.00001.
gnomAD v4.1: 10 of 1,503,564 alleles (0.00067%); highest among the groups gnomAD compares: Admixed American, 0.0023%; no homozygotes.

Submissions (2):

Labcorp Genetics (formerly Invitae), Labcorp
Classification: Uncertain significance for Developmental and epileptic encephalopathy, 42; Episodic ataxia type 2. Last evaluated: 2023-12-13. Review status: criteria provided, single submitter. Criteria: Invitae Variant Classification Sherloc (09022015). Collection method: clinical testing. Allele origin: germline.
Comment: This sequence change replaces leucine, which is neutral and non-polar, with valine, which is neutral and non-polar, at codon 1986 of the CACNA1A protein (p.Leu1986Val). This variant is not present in population databases (gnomAD no frequency). This variant has not been reported in the literature in individuals affected with CACNA1A-related conditions. ClinVar contains an entry for this variant (Variation ID: 2335100). Advanced modeling of protein sequence and biophysical properties (such as structural, functional, and spatial information, amino acid conservation, physicochemical variation, residue mobility, and thermodynamic stability) performed at Invitae indicates that this missense variant is not expected to disrupt CACNA1A protein function with a negative predictive value of 95%. In summary, the available evidence is currently insufficient to determine the role of this variant in disease. Therefore, it has been classified as a Variant of Uncertain Significance.

Ambry Genetics
Classification: Uncertain significance for Inborn genetic diseases. Last evaluated: 2022-12-15. Review status: criteria provided, single submitter. Criteria: Ambry Variant Classification Scheme 2023. Collection method: clinical testing. Allele origin: germline.